The following is an entry in ClinVar:

NM_018489.3(ASH1L):c.5083A>G (p.Thr1695Ala)

Gene: ASH1L (ASH1 like histone lysine methyltransferase; minus strand). Cytogenetic location: 1q22.
Variant type: single nucleotide variant.
Coding change: c.5083A>G on transcript NM_018489.3 (MANE Select); coding-DNA position 5083, A replaced by G.
Protein change: p.Thr1695Ala; replaces threonine 1695 with alanine.
Molecular consequence: missense variant.
Genome position (GRCh38, 1-based): chr1:155,459,800, T>C on the plus strand (A>G on the coding strand, the complement: ASH1L is on the minus strand). VCF-style: chr1-155459800-T-C. GRCh37 (hg19) VCF-style: chr1-155429591-T-C.
Other names: c.5083A>G, p.Thr1695Ala (NM_001366177.2); short protein forms T1695A.
Identifiers: ClinVar variation 2630946 (VCV002630946.4), dbSNP rs1376200925, ClinGen allele CA342688197.

ClinVar aggregate classification (germline): Uncertain significance. Review status: criteria provided, single submitter (1 of 4 stars). 2 submissions from 2 submitters: Uncertain significance (1). 1 of the submissions does not count toward it. Last evaluated 2021-12-27.

Conditions:
ASH1L-related disorder. Also called: ASH1L-related condition.

Allele frequency attached by ClinVar (database versions not stated): gnomAD 0.00001; gnomAD exomes 0.00001; TOPMed 0.00001.
gnomAD v4.1: 14 of 1,611,394 alleles (0.00087%); highest among the groups gnomAD compares: Non-Finnish European, 0.0011%; no homozygotes.

Submissions (2):

Blueprint Genetics
Classification: Uncertain significance. Last evaluated: 2021-12-27. Review status: criteria provided, single submitter. Criteria: ACMG Guidelines, 2015. Collection method: clinical testing. Allele origin: germline.

PreventionGenetics, part of Exact Sciences
Classification: Uncertain significance for ASH1L-related condition. Last evaluated: 2023-11-22. Review status: no assertion criteria provided. Collection method: clinical testing. Allele origin: germline. Not counted in ClinVar's aggregate classification.
Comment: The ASH1L c.5083A>G variant is predicted to result in the amino acid substitution p.Thr1695Ala. To our knowledge, this variant has not been reported in the literature. This variant is reported in 0.0016% of alleles in individuals of European (Non-Finnish) descent in gnomAD. At this time, the clinical significance of this variant is uncertain due to the absence of conclusive functional and genetic evidence.